The following is an entry in ClinVar:

NM_003742.4(ABCB11):c.612-15_612-6del

Gene: ABCB11 (ATP binding cassette subfamily B member 11; minus strand). Cytogenetic location: 2q31.1.
Variant type: Deletion.
Coding change: c.612-15_612-6del on transcript NM_003742.4 (MANE Select); 15 bases into the intron before coding-DNA position 612 through 6 bases into the intron before coding-DNA position 612, 10 bases deleted (CTTTCTGGTT; older notation c.612-15_612-6delCTTTCTGGTT).
Molecular consequence: intron variant.
Genome position (GRCh38, 1-based): chr2:168,993,888-168,993,897, AACCAGAAAG deleted on the plus strand (CTTTCTGGTT on the coding strand, the reverse complement: ABCB11 is on the minus strand); deleting any 10 consecutive bases within chr2:168,993,888-168,993,898 gives the same sequence; the c. name uses the placement nearest the transcript's 3' end. VCF-style (leftmost placement, unchanged base first): chr2-168993887-AAACCAGAAAG-A. GRCh37 (hg19) VCF-style: chr2-169850397-AAACCAGAAAG-A.
Identifiers: ClinVar variation 4846718 (VCV004846718.1).

ClinVar aggregate classification (germline): Likely pathogenic (1 of 4 stars; one submission).

Conditions:
Familial intrahepatic cholestasis. Identifiers: Orphanet 284385, MedGen CN296401, MONDO:0017290.

Submission:

Genomenon, Inc
Classification: Likely pathogenic for Familial intrahepatic cholestasis. Last evaluated: 2026-04-14. Review status: criteria provided, single submitter. Criteria: Genomenon Sequence Variant Interpretation Standards - Updated. Collection method: curation. Allele origin: germline. Affected: yes.
Comment: ABCB11 c.612-15_612-6del is a deletion variant that affects the acceptor splice region of intron 7. This variant has been observed in at least one proband with an ABCB11-related disorder (PMID:29316097). At least one splicing study has demonstrated that this variant results in aberrant splicing (PMID:29316097). It is absent or not present at a significant frequency in gnomAD. In conclusion, we classify ABCB11 c.612-15_612-6del as a likely pathogenic variant.

Literature cited by the submitters: PubMed 29316097.